The following is an entry in ClinVar:

ClinVar aggregate classification (germline): Benign/Likely benign. Review status: criteria provided, multiple submitters, no conflicts (2 of 4 stars). 11 submissions from 11 submitters: Benign (1); Likely benign (6). 4 of the submissions do not count toward it. Last evaluated 2026-02-03.

Conditions:
ALPK3-related disorder. Also called: ALPK3-related condition.
Cardiovascular phenotype. Identifiers: MedGen CN230736.

Allele frequency attached by ClinVar (database versions not stated): gnomAD 0.00037 and 0.00038; TOPMed 0.00037; ExAC 0.00040; gnomAD exomes 0.00041; ESP Exome Variant Server 0.00046.
gnomAD v4.1: 773 of 1,614,022 alleles (0.048%); highest among the groups gnomAD compares: Non-Finnish European, 0.057%; 2 homozygotes.

Submissions (11):

Labcorp Genetics (formerly Invitae), Labcorp
Classification: Benign. Last evaluated: 2026-02-03. Review status: criteria provided, single submitter. Criteria: Invitae Variant Classification Sherloc (09022015). Collection method: clinical testing. Allele origin: germline.

Mayo Clinic Laboratories, Mayo Clinic
Classification: Likely benign. Last evaluated: 2025-07-20. Review status: criteria provided, single submitter. Criteria: ACMG Guidelines, 2015. Collection method: clinical testing. Allele origin: germline. Observed: 2 variant alleles.
Comment: BP4, BP7

Molecular Diagnostic Laboratory for Inherited Cardiovascular Disease, Montreal Heart Institute
Classification: Likely benign. Last evaluated: 2025-04-09. Review status: criteria provided, single submitter. Criteria: ACMG Guidelines, 2015. Collection method: clinical testing. Allele origin: germline. Affected: no.

Blueprint Genetics
Classification: Likely benign. Last evaluated: 2024-11-13. Review status: criteria provided, single submitter. Criteria: ACMG Guidelines, 2015. Collection method: clinical testing. Allele origin: germline.

Women's Health and Genetics/Laboratory Corporation of America, LabCorp
Classification: Likely benign. Last evaluated: 2024-03-17. Review status: criteria provided, single submitter. Criteria: LabCorp Variant Classification Summary - May 2015. Collection method: clinical testing. Allele origin: germline.

GeneDx
Classification: Likely benign. Last evaluated: 2020-11-30. Review status: criteria provided, single submitter. Criteria: GeneDx Variant Classification Process June 2021. Collection method: clinical testing. Allele origin: germline. Affected: yes.

Ambry Genetics
Classification: Likely benign for Cardiovascular phenotype. Last evaluated: 2019-02-12. Review status: criteria provided, single submitter. Criteria: Ambry Variant Classification Scheme 2023. Collection method: clinical testing. Allele origin: germline.

PreventionGenetics, part of Exact Sciences
Classification: Likely benign for ALPK3-related condition. Last evaluated: 2020-08-24. Review status: no assertion criteria provided. Collection method: clinical testing. Allele origin: germline. Not counted in ClinVar's aggregate classification.
Comment: This variant is classified as likely benign based on ACMG/AMP sequence variant interpretation guidelines (Richards et al. 2015 PMID: 25741868, with internal and published modifications).

Clinical Genetics DNA and cytogenetics Diagnostics Lab, Erasmus MC, Erasmus Medical Center
Classification: Likely benign. Review status: no assertion criteria provided. Collection method: clinical testing. Allele origin: germline. Affected: yes. Study: VKGL Data-share Consensus. Not counted in ClinVar's aggregate classification.

Clinical Genetics, Academic Medical Center
Classification: Benign. Review status: no assertion criteria provided. Collection method: clinical testing. Allele origin: germline. Affected: yes. Study: VKGL Data-share Consensus. Not counted in ClinVar's aggregate classification.

Diagnostic Laboratory, Department of Genetics, University Medical Center Groningen
Classification: Likely benign. Review status: no assertion criteria provided. Collection method: clinical testing. Allele origin: germline. Affected: yes. Study: VKGL Data-share Consensus. Not counted in ClinVar's aggregate classification.

NM_020778.5(ALPK3):c.2262A>G (p.Glu754=)

Gene: ALPK3 (alpha kinase 3; plus strand). Cytogenetic location: 15q25.3.
Variant type: single nucleotide variant.
Coding change: c.2262A>G on transcript NM_020778.5 (MANE Select); coding-DNA position 2262, A replaced by G.
Protein change: p.Glu754=; no amino-acid change (glutamic acid 754 retained).
Molecular consequence: synonymous variant.
Genome position (GRCh38, 1-based): chr15:84,857,000, A>G. VCF-style: chr15-84857000-A-G. GRCh37 (hg19) VCF-style: chr15-85400231-A-G.
Other names: p.Glu956=.
Identifiers: ClinVar variation 679384 (VCV000679384.22), dbSNP rs143456491, ClinGen allele CA7709377.